The following is an entry in ClinVar:

ClinVar aggregate classification (germline): Pathogenic (1 of 4 stars; one submission).

Conditions:
Tyrosinemia type III. Also called: Tyrosinemia type 3; 4-alpha hydroxyphenylpyruvic acid oxidase deficiency; 4-alpha hydroxyphenylpyruvate dioxygenase deficiency; 4-Hydroxyphenylpyruvate dioxygenase deficiency; 4-HYDROXYPHENYLPYRUVIC ACID OXIDASE DEFICIENCY. Identifiers: Orphanet 69723, MedGen C0268623, MONDO:0010162, OMIM 276710.

Submission:

3billion
Classification: Pathogenic for Tyrosinemia type III. Last evaluated: 2022-01-03. Review status: criteria provided, single submitter. Criteria: ACMG Guidelines, 2015. Collection method: clinical testing. Allele origin: germline. Affected: yes. Observed: 1 homozygote.
Comment: Frameshift: predicted to result in a loss or disruption of normal protein function through nonsense-mediated decay (NMD) or protein truncation. Multiple pathogenic variants are reported downstream of the variant (PVS1_VS). It is not observed in the gnomAD v2.1.1 dataset (PM2_M). Therefore, this variant is classified as pathogenic according to the recommendation of ACMG/AMP guideline.

NM_002150.3(HPD):c.463del (p.Gln155fs)

Genes: HPD (4-hydroxyphenylpyruvate dioxygenase; minus strand), TIALD (transcript inducer of AURKA lysosomal degradation; plus strand). Cytogenetic location: 12q24.31.
Variant type: Deletion.
Coding change: c.463del on transcript NM_002150.3 (MANE Select); coding-DNA position 463, one base deleted (C; older notation c.463delC).
Protein change: p.Gln155fs; shifts the reading frame from glutamine 155.
Molecular consequence: frameshift variant.
Genome position (GRCh38, 1-based): chr12:121,849,742, G deleted on the plus strand (C on the coding strand, the reverse complement: HPD is on the minus strand); the first of 2 consecutive G bases (chr12:121,849,742-121,849,743); deleting either gives the same sequence. VCF-style (leftmost placement, unchanged base first): chr12-121849741-TG-T. GRCh37 (hg19) VCF-style: chr12-122287647-TG-T.
Other names: c.346del, p.Gln116fs (NM_001171993.2); short protein forms Q116fs, Q155fs.
Identifiers: ClinVar variation 1333313 (VCV001333313.1), dbSNP rs2137619413, ClinGen allele CA2573053621.